The following is an entry in ClinVar:

ClinVar aggregate classification (germline): Likely benign (1 of 4 stars; one submission).

Conditions:
Peroxisome biogenesis disorder 5A (Zellweger) (PBD5A). Identifiers: Orphanet 912, MedGen C3553940, MONDO:0013932, OMIM 614866.

Allele frequency attached by ClinVar (database versions not stated): gnomAD 0.00286 and 0.00303; TOPMed 0.00334; 1000 Genomes Project 30x 0.00375; 1000 Genomes Project 0.00379.

Submission:

Illumina Laboratory Services, Illumina
Classification: Likely benign for Peroxisome biogenesis disorder 5A (Zellweger). Last evaluated: 2018-01-12. Review status: criteria provided, single submitter. Criteria: ICSL Variant Classification Criteria 13 December 2019. Collection method: clinical testing. Allele origin: germline.
Comment: This variant was observed in the ICSL laboratory as part of a predisposition screen in an ostensibly healthy population. It had not been previously curated by ICSL or reported in the Human Gene Mutation Database (HGMD: prior to June 1st, 2018), and was therefore a candidate for classification through an automated scoring system. Utilizing variant allele frequency, disease prevalence and penetrance estimates, and inheritance mode, an automated score was calculated to assess if this variant is too frequent to cause the disease. Based on the score and internal cut-off values, a variant classified as likely benign is not then subjected to further curation. The score for this variant resulted in a classification of likely benign for this disease.

NM_000318.3(PEX2):c.*1448C>T

Gene: PEX2 (peroxisomal biogenesis factor 2; minus strand). Cytogenetic location: 8q21.13.
Variant type: single nucleotide variant.
Coding change: c.*1448C>T on transcript NM_000318.3 (MANE Select); 1448 bases downstream of the stop codon, C replaced by T.
Molecular consequence: 3 prime UTR variant.
Genome position (GRCh38, 1-based): chr8:76,981,813, G>A on the plus strand (C>T on the coding strand, the complement: PEX2 is on the minus strand). VCF-style: chr8-76981813-G-A. GRCh37 (hg19) VCF-style: chr8-77894049-G-A.
Other names: c.*1448C>T (NM_001079867.2, NM_001172086.2, NM_001172087.2).
Identifiers: ClinVar variation 363795 (VCV000363795.5), dbSNP rs184740361, ClinGen allele CA10625845.